The following is an entry in ClinVar:

NM_025179.4(PLXNA2):c.1936T>C (p.Phe646Leu)

Gene: PLXNA2 (plexin A2; minus strand). Cytogenetic location: 1q32.2.
Variant type: single nucleotide variant.
Coding change: c.1936T>C on transcript NM_025179.4 (MANE Select); coding-DNA position 1936, T replaced by C.
Protein change: p.Phe646Leu; replaces phenylalanine 646 with leucine.
Molecular consequence: missense variant.
Genome position (GRCh38, 1-based): chr1:208,096,075, A>G on the plus strand (T>C on the coding strand, the complement: PLXNA2 is on the minus strand). VCF-style: chr1-208096075-A-G. GRCh37 (hg19) VCF-style: chr1-208269420-A-G.
Other names: short protein forms F646L.
Identifiers: ClinVar variation 3348800 (VCV003348800.1).

ClinVar aggregate classification (germline): Uncertain significance (0 of 4 stars; one submission).

Conditions:
PLXNA2-related disorder. Also called: PLXNA2-related condition.

Submission:

PreventionGenetics, part of Exact Sciences
Classification: Uncertain significance for PLXNA2-related condition. Last evaluated: 2023-11-22. Review status: no assertion criteria provided. Collection method: clinical testing. Allele origin: germline.
Comment: The PLXNA2 c.1936T>C variant is predicted to result in the amino acid substitution p.Phe646Leu. To our knowledge, this variant has not been reported in the literature or in a large population database, indicating this variant is rare. At this time, the clinical significance of this variant is uncertain due to the absence of conclusive functional and genetic evidence.